The following is an entry in ClinVar:

ClinVar aggregate classification (germline): Likely pathogenic (1 of 4 stars; one submission).

Conditions:
Carnitine acylcarnitine translocase deficiency (CACTD). Identifiers: Orphanet 159, MedGen C0342791, MONDO:0008918, OMIM 212138.

Submission:

Labcorp Genetics (formerly Invitae), Labcorp
Classification: Likely pathogenic for Carnitine acylcarnitine translocase deficiency. Last evaluated: 2023-01-25. Review status: criteria provided, single submitter. Criteria: Invitae Variant Classification Sherloc (09022015). Collection method: clinical testing. Allele origin: unknown.
Comment: In summary, the currently available evidence indicates that the variant is pathogenic, but additional data are needed to prove that conclusively. Therefore, this variant has been classified as Likely Pathogenic. This variant has not been reported in the literature in individuals affected with SLC25A20-related conditions. This variant results in a copy number gain of the genomic region encompassing exon(s) 3 of the SLC25A20 gene. While the exact position of this variant cannot be determined from the data, sub-genic copy number gains are generally in tandem (PMID: 25640679). This variant is predicted to be out-of-frame, and may result in an absent or disrupted protein product. Loss-of-function variants in SLC25A20 are known to be pathogenic (PMID: 25614308).

Literature cited by the submitters: PubMed 25640679; PubMed 25614308.

NC_000003.11:g.(?_48921410)_(48921577_?)dup

Gene: SLC25A20 (solute carrier family 25 member 20; minus strand). Cytogenetic location: 3p21.31.
Variant type: Duplication.
Identifiers: ClinVar variation 3246866 (VCV003246866.1).